The following is an entry in ClinVar:

NM_001037333.3(CYFIP2):c.1149del (p.Asp383fs)

Gene: CYFIP2 (cytoplasmic FMR1 interacting protein 2; plus strand). Cytogenetic location: 5q33.3.
Variant type: Deletion.
Coding change: c.1149del on transcript NM_001037333.3 (MANE Select); coding-DNA position 1149, one base deleted (C; older notation c.1149delC).
Protein change: p.Asp383fs; shifts the reading frame from aspartic acid 383.
Molecular consequence: frameshift variant.
Genome position (GRCh38, 1-based): chr5:157,314,382, C deleted. VCF-style (leftmost placement, unchanged base first): chr5-157314381-AC-A. GRCh37 (hg19) VCF-style: chr5-156741389-AC-A.
Other names: c.1071del, p.Asp357fs (NM_001291721.2); c.1149del, p.Asp383fs (NM_001291722.2, NM_014376.4); short protein forms D357fs, D383fs.
Identifiers: ClinVar variation 4822765 (VCV004822765.4).

ClinVar aggregate classification (germline): Uncertain significance (1 of 4 stars; one submission).

Submission:

CeGaT Center for Human Genetics Tuebingen
Classification: Uncertain significance. Last evaluated: 2026-01-01. Review status: criteria provided, single submitter. Criteria: CeGaT Center For Human Genetics Tuebingen Variant Classification Criteria Version 2. Collection method: clinical testing. Allele origin: germline. Affected: yes. Observed: 2 variant alleles.
Comment: CYFIP2: PM2, PVS1:Moderate